The following is an entry in ClinVar:

ClinVar aggregate classification (germline): Benign. Review status: criteria provided, multiple submitters, no conflicts (2 of 4 stars). 2 submissions from 2 submitters: Benign (2). Last evaluated 2018-06-14.

Allele frequency attached by ClinVar (database versions not stated): gnomAD 0.24717 and 0.25110; TOPMed 0.25739; 1000 Genomes Project 0.28954; 1000 Genomes Project 30x 0.29107.
gnomAD v4.1: 37,331 of 151,644 alleles (25%); highest among the groups gnomAD compares: African/African-American, 50%; 6,472 homozygotes.

Submissions (2):

GeneDx
Classification: Benign. Last evaluated: 2018-06-14. Review status: criteria provided, single submitter. Criteria: GeneDx Variant Classification (06012015). Collection method: clinical testing. Allele origin: germline. Affected: yes.
Comment: This variant is considered likely benign or benign based on one or more of the following criteria: it is a conservative change, it occurs at a poorly conserved position in the protein, it is predicted to be benign by multiple in silico algorithms, and/or has population frequency not consistent with disease.

Breakthrough Genomics
Classification: Benign. Review status: criteria provided, single submitter. Criteria: ACMG Guidelines, 2015. Collection method: not provided. Allele origin: germline. Inheritance: Autosomal recessive inheritance. Affected: yes.

NM_000302.4(PLOD1):c.844-283T>C

Gene: PLOD1 (procollagen-lysine,2-oxoglutarate 5-dioxygenase 1; plus strand). Cytogenetic location: 1p36.22.
Variant type: single nucleotide variant.
Coding change: c.844-283T>C on transcript NM_000302.4 (MANE Select); 283 bases into the intron before coding-DNA position 844, T replaced by C.
Molecular consequence: intron variant.
Genome position (GRCh38, 1-based): chr1:11,958,233, T>C. VCF-style: chr1-11958233-T-C. GRCh37 (hg19) VCF-style: chr1-12018290-T-C.
Other names: c.985-283T>C (NM_001316320.2).
Identifiers: ClinVar variation 669466 (VCV000669466.2), dbSNP rs2273289, ClinGen allele CA10660119.
Genomic context (GRCh38, chr1:11,958,233, plus strand): 5'-CCTGGTCCTTCAGGCTCTCCTGCAGCCCCCTCCCCATCCCATGAACCTCATCCTCATTTA[T>C]GACTCACCTCGAACACCACGCCAGCCACGATCTCCTGACAGCAGGCCCTCAACCGAGTCC-3'